The following is an entry in ClinVar:

ClinVar aggregate classification (germline): Conflicting classifications of pathogenicity. Review status: criteria provided, conflicting classifications (1 of 4 stars). 8 submissions from 8 submitters: Uncertain significance (3); Likely benign (4). 1 of the submissions does not count toward it. Last evaluated 2026-01-22.

Conditions:
Hermansky-Pudlak syndrome (HPS). Also called: ALBINISM WITH HEMORRHAGIC DIATHESIS AND PIGMENTED RETICULOENDOTHELIAL CELLS. Identifiers: Orphanet 79430, MedGen C0079504, MONDO:0019312.
Hermansky-Pudlak syndrome 1 (HPS1). Also called: DELTA STORAGE POOL DISEASE. Identifiers: Orphanet 231500, Orphanet 79430, MedGen C2931875, MONDO:0008748, OMIM 203300.

Allele frequency attached by ClinVar (database versions not stated): 1000 Genomes Project 30x 0.00016; 1000 Genomes Project 0.00020; gnomAD exomes 0.00029 and 0.00037; gnomAD 0.00034 and 0.00039; ESP Exome Variant Server 0.00039; TOPMed 0.00042; ExAC 0.00046.
gnomAD v4.1: 461 of 1,555,446 alleles (0.03%); highest among the groups gnomAD compares: Middle Eastern, 0.1%; no homozygotes.

Submissions (8):

Labcorp Genetics (formerly Invitae), Labcorp
Classification: Likely benign. Last evaluated: 2026-01-22. Review status: criteria provided, single submitter. Criteria: Invitae Variant Classification Sherloc (09022015). Collection method: clinical testing. Allele origin: germline.

GeneDx
Classification: Uncertain significance. Last evaluated: 2025-06-23. Review status: criteria provided, single submitter. Criteria: GeneDx Variant Classification Process June 2021. Collection method: clinical testing. Allele origin: germline. Affected: yes.
Comment: In silico analysis suggests that this variant does not alter splicing; Has not been previously published as pathogenic or benign to our knowledge

CeGaT Center for Human Genetics Tuebingen
Classification: Likely benign. Last evaluated: 2025-06-01. Review status: criteria provided, single submitter. Criteria: CeGaT Center For Human Genetics Tuebingen Variant Classification Criteria Version 2. Collection method: clinical testing. Allele origin: germline. Affected: yes. Observed: 1 variant allele.
Comment: HPS1: BP4

Women's Health and Genetics/Laboratory Corporation of America, LabCorp
Classification: Likely benign. Last evaluated: 2025-05-14. Review status: criteria provided, single submitter. Criteria: LabCorp Variant Classification Summary - May 2015. Collection method: clinical testing. Allele origin: germline.

Blueprint Genetics
Classification: Likely benign. Last evaluated: 2024-11-08. Review status: criteria provided, single submitter. Criteria: ACMG Guidelines, 2015. Collection method: clinical testing. Allele origin: germline.

Illumina Laboratory Services, Illumina
Classification: Uncertain significance for Hermansky-Pudlak syndrome 1. Last evaluated: 2018-01-13. Review status: criteria provided, single submitter. Criteria: ICSL Variant Classification Criteria 13 December 2019. Collection method: clinical testing. Allele origin: germline.

Eurofins Ntd Llc (ga)
Classification: Uncertain significance. Last evaluated: 2017-04-10. Review status: criteria provided, single submitter. Criteria: EGL Classification Definitions 2015. Collection method: clinical testing. Allele origin: germline. Observed: 3 variant alleles, 3 heterozygotes.

Natera, Inc.
Classification: Uncertain significance for Hermansky-Pudlak syndrome. Last evaluated: 2020-04-11. Review status: no assertion criteria provided. Collection method: clinical testing. Allele origin: germline. Not counted in ClinVar's aggregate classification.

NM_000195.5(HPS1):c.700C>T (p.Leu234=)

Gene: HPS1 (HPS1 biogenesis of lysosomal organelles complex 3 subunit 1; minus strand). Cytogenetic location: 10q24.2.
Variant type: single nucleotide variant.
Coding change: c.700C>T on transcript NM_000195.5 (MANE Select); coding-DNA position 700, C replaced by T.
Protein change: p.Leu234=; no amino-acid change (leucine 234 retained).
Molecular consequence: synonymous variant. On other transcripts: 5 prime UTR variant (3).
Genome position (GRCh38, 1-based): chr10:98,430,639, G>A on the plus strand (C>T on the coding strand, the complement: HPS1 is on the minus strand). VCF-style: chr10-98430639-G-A. GRCh37 (hg19) VCF-style: chr10-100190396-G-A.
Other names: c.-174C>T (NM_001311345.2, NM_001322489.2); c.700C>T, p.Leu234= (NM_001322476.2, NM_001322477.2, NM_001322478.2 and 3 more transcripts); c.439C>T, p.Leu147= (NM_001322480.2, NM_001322481.2, NM_001322482.2); c.331C>T, p.Leu111= (NM_001322483.2, NM_001322484.2, NM_001322485.2); c.-273C>T (NM_001322487.2); c.582C>T, p.Thr194= (NM_001322490.2, NM_001322492.2).
Identifiers: ClinVar variation 289325 (VCV000289325.32), dbSNP rs150444975, ClinGen allele CA5639309.